The following is an entry in ClinVar:

ClinVar aggregate classification (germline): Likely benign. Review status: criteria provided, multiple submitters, no conflicts (2 of 4 stars). 4 submissions from 4 submitters: Likely benign (3). 1 of the submissions does not count toward it. Last evaluated 2025-12-23.

Conditions:
MAN2B1-related disorder. Also called: MAN2B1-related condition.
Deficiency of alpha-mannosidase (MANSA). Also called: Mannosidosis, alpha-, types I and II; LYSOSOMAL ALPHA-D-MANNOSIDASE DEFICIENCY; Alpha-Mannosidosis. Identifiers: Orphanet 61, MedGen C0024748, MONDO:0009561, OMIM 248500.

Allele frequency attached by ClinVar (database versions not stated): ExAC 0.00009; gnomAD exomes 0.00009 and 0.00020; TOPMed 0.00014; gnomAD 0.00016 and 0.00018; ESP Exome Variant Server 0.00023.
gnomAD v4.1: 305 of 1,614,084 alleles (0.019%); highest among the groups gnomAD compares: Non-Finnish European, 0.025%; no homozygotes.

Submissions (4):

Labcorp Genetics (formerly Invitae), Labcorp
Classification: Likely benign for Deficiency of alpha-mannosidase. Last evaluated: 2025-12-23. Review status: criteria provided, single submitter. Criteria: Invitae Variant Classification Sherloc (09022015). Collection method: clinical testing. Allele origin: germline.

PreventionGenetics, part of Exact Sciences
Classification: Likely benign for MAN2B1-related condition. Last evaluated: 2025-08-15. Review status: criteria provided, single submitter. Criteria: ACMG Guidelines, 2015. Collection method: clinical testing. Allele origin: germline.
Comment: This variant is classified as likely benign based on ACMG/AMP sequence variant interpretation guidelines (Richards et al. 2015 PMID: 25741868, with internal and published modifications).

Blueprint Genetics
Classification: Likely benign. Last evaluated: 2024-10-14. Review status: criteria provided, single submitter. Criteria: ACMG Guidelines, 2015. Collection method: clinical testing. Allele origin: germline.

Mayo Clinic Laboratories, Mayo Clinic
Classification: Likely benign. Last evaluated: 2017-08-16. Review status: no assertion criteria provided. Collection method: clinical testing. Allele origin: unknown. Not counted in ClinVar's aggregate classification.

NM_000528.4(MAN2B1):c.2766C>T (p.Ala922=)

Gene: MAN2B1 (mannosidase alpha class 2B member 1; minus strand). Cytogenetic location: 19p13.13.
Variant type: single nucleotide variant.
Coding change: c.2766C>T on transcript NM_000528.4 (MANE Select); coding-DNA position 2766, C replaced by T.
Protein change: p.Ala922=; no amino-acid change (alanine 922 retained).
Molecular consequence: synonymous variant.
Genome position (GRCh38, 1-based): chr19:12,647,497, G>A on the plus strand (C>T on the coding strand, the complement: MAN2B1 is on the minus strand). VCF-style: chr19-12647497-G-A. GRCh37 (hg19) VCF-style: chr19-12758311-G-A.
Other names: c.2763C>T, p.Ala921= (NM_001173498.2).
Identifiers: ClinVar variation 558858 (VCV000558858.17), dbSNP rs150866794, ClinGen allele CA9225930.
Genomic context (GRCh38, chr19:12,647,497, plus strand): 5'-TCTCACCCTCAAGTTCAAGGTAACGGGGGCGCTCAGGTTACGTCCGGAATCCTCTCCTAC[G>A]GCAAACTGGTGCTCCAAGCGCAGCAGCACCATTTCGGGGCCCCAGCTGGCCAGCGTGAGC-3'
Protein context (NP_000519.2, residues 912-932): MVLLRLEHQF[Ala922=]VGEDSGRNLS